The following is an entry in ClinVar:

NM_000891.3(KCNJ2):c.646A>T (p.Asn216Tyr)

Gene: KCNJ2 (potassium inwardly rectifying channel subfamily J member 2; plus strand). Cytogenetic location: 17q24.3.
Variant type: single nucleotide variant.
Coding change: c.646A>T on transcript NM_000891.3 (MANE Select); coding-DNA position 646, A replaced by T.
Protein change: p.Asn216Tyr; replaces asparagine 216 with tyrosine.
Molecular consequence: missense variant.
Genome position (GRCh38, 1-based): chr17:70,175,685, A>T. VCF-style: chr17-70175685-A-T. GRCh37 (hg19) VCF-style: chr17-68171826-A-T.
Other names: short protein forms N216Y.
Identifiers: ClinVar variation 1496231 (VCV001496231.8), dbSNP rs104894583, ClinGen allele CA400861448.

ClinVar aggregate classification (germline): Likely pathogenic (1 of 4 stars; one submission).

Conditions:
Andersen Tawil syndrome (LQT7). Also called: Potassium-sensitive periodic paralysis, ventricular ectopy, and dysmorphic features; ANDERSEN CARDIODYSRHYTHMIC PERIODIC PARALYSIS; PERIODIC PARALYSIS, POTASSIUM-SENSITIVE CARDIODYSRHYTHMIC TYPE; Andersen Syndrome; LONG QT SYNDROME 7. Identifiers: Orphanet 37553, MedGen C1563715, MONDO:0008222, OMIM 170390.
Short QT syndrome type 3. Identifiers: Orphanet 51083, MedGen C1865018, MONDO:0012314, OMIM 609622.

Submission:

Labcorp Genetics (formerly Invitae), Labcorp
Classification: Likely pathogenic for Short QT syndrome type 3; Andersen Tawil syndrome. Last evaluated: 2020-11-17. Review status: criteria provided, single submitter. Criteria: Invitae Variant Classification Sherloc (09022015). Collection method: clinical testing. Allele origin: germline.
Comment: In summary, the currently available evidence indicates that the variant is pathogenic, but additional data are needed to prove that conclusively. Therefore, this variant has been classified as Likely Pathogenic. This variant disrupts the p.Asn216 amino acid residue in KCNJ2. Other variant(s) that disrupt this residue have been observed in individuals with KCNJ2-related conditions (PMID: 12163457, 14522976, Invitae), which suggests that this may be a clinically significant amino acid residue. Advanced modeling of protein sequence and biophysical properties (such as structural, functional, and spatial information, amino acid conservation, physicochemical variation, residue mobility, and thermodynamic stability) performed at Invitae indicates that this missense variant is expected to disrupt KCNJ2 protein function. This variant has been observed in individual(s) with clinical features of KCNJ2-related conditions (Invitae). This variant is not present in population databases (ExAC no frequency). This sequence change replaces asparagine with tyrosine at codon 216 of the KCNJ2 protein (p.Asn216Tyr). The asparagine residue is highly conserved and there is a large physicochemical difference between asparagine and tyrosine.

Literature cited by the submitters: PubMed 12163457; PubMed 14522976.